The following is an entry in ClinVar:

NM_006949.4(STXBP2):c.420C>A (p.Tyr140Ter)

Gene: STXBP2 (syntaxin binding protein 2; plus strand). Cytogenetic location: 19p13.2.
Variant type: single nucleotide variant.
Coding change: c.420C>A on transcript NM_006949.4 (MANE Select); coding-DNA position 420, C replaced by A.
Protein change: p.Tyr140Ter; replaces tyrosine 140 with a stop codon.
Molecular consequence: nonsense. On other transcripts: non-coding transcript variant (1).
Genome position (GRCh38, 1-based): chr19:7,640,994, C>A. VCF-style: chr19-7640994-C-A. GRCh37 (hg19) VCF-style: chr19-7705880-C-A.
Other names: c.411C>A, p.Tyr137Ter (NM_001127396.3); c.453C>A, p.Tyr151Ter (NM_001272034.2); c.324C>A, p.Tyr108Ter (NM_001414484.1); short protein forms Y151*, Y108*, Y137*, Y140*.
Identifiers: ClinVar variation 2088755 (VCV002088755.4), dbSNP rs373462454, ClinGen allele CA403157760.
Genomic context (GRCh38, chr19:7,640,994, plus strand): 5'-CTCTCGTCTGGCAAAGGTGGTGAAGACGTTGAAGGAGATTCACCTTGCCTTCCTCCCCTA[C>A]GAGGCCCAGGTACGGCCCGGGCTCATCCTGGGCAGGGGGTGGGGGTTTGTGACCAAATGT-3'

ClinVar aggregate classification (germline): Pathogenic (1 of 4 stars; one submission).

Conditions:
Familial hemophagocytic lymphohistiocytosis 5. Also called: STXBP2-Related Familial Hemophagocytic Lymphohistiocytosis (STXBP2-fHLH). Identifiers: Orphanet 540, MedGen C2751293, MONDO:0013135, OMIM 613101.

Submission:

Labcorp Genetics (formerly Invitae), Labcorp
Classification: Pathogenic for Familial hemophagocytic lymphohistiocytosis 5. Last evaluated: 2022-09-13. Review status: criteria provided, single submitter. Criteria: Invitae Variant Classification Sherloc (09022015). Collection method: clinical testing. Allele origin: germline.
Comment: For these reasons, this variant has been classified as Pathogenic. Algorithms developed to predict the effect of sequence changes on RNA splicing suggest that this variant may create or strengthen a splice site. This variant has not been reported in the literature in individuals affected with STXBP2-related conditions. This variant is not present in population databases (gnomAD no frequency). This sequence change creates a premature translational stop signal (p.Tyr140*) in the STXBP2 gene. It is expected to result in an absent or disrupted protein product. Loss-of-function variants in STXBP2 are known to be pathogenic (PMID: 19804848, 22451424).

Literature cited by the submitters: PubMed 19804848; PubMed 22451424.